The following is an entry in ClinVar:

NM_000186.4(CFH):c.2124TTA[1] (p.Tyr711del)

Gene: CFH (complement factor H; plus strand). Cytogenetic location: 1q31.3.
Variant type: Microsatellite.
Coding change: c.2124TTA[1] on transcript NM_000186.4 (MANE Select); one copy of the 3-base unit TTA starting at c.2124; the reference has two copies in a row; one copy, 3 bases deleted; also written c.2127_2129del.
Protein change: p.Tyr711del; deletes tyrosine 711.
Molecular consequence: inframe deletion.
Genome position (GRCh38, 1-based): chr1:196,726,831-196,726,833, TTA deleted; deleting any 3 consecutive bases within chr1:196,726,828-196,726,833 gives the same sequence; the position shown is the placement nearest the transcript's 3' end. VCF-style (leftmost placement, unchanged base first): chr1-196726827-CTTA-C. GRCh37 (hg19) VCF-style: chr1-196695957-CTTA-C.
Other names: c.2127_2129del (NM_000186.4); short protein forms Y711del.
Identifiers: ClinVar variation 2151910 (VCV002151910.5), dbSNP rs1291819108, ClinGen allele CA528266048.

ClinVar aggregate classification (germline): Uncertain significance. Review status: criteria provided, multiple submitters, no conflicts (2 of 4 stars). 2 submissions from 2 submitters: Uncertain significance (2). Last evaluated 2025-10-02.

Conditions:
Atypical hemolytic-uremic syndrome. Identifiers: Orphanet 2134, MedGen C2931788, MONDO:0016244.

Submissions (2):

Genomenon, Inc
Classification: Uncertain significance for Atypical hemolytic-uremic syndrome. Last evaluated: 2025-10-02. Review status: criteria provided, single submitter. Criteria: Genomenon Sequence Variant Interpretation Standards - Updated. Collection method: curation. Allele origin: germline. Affected: yes.
Comment: CFH p.Tyr711del (c.2127_2129del) is an in-frame deletion variant that results in the deletion of a single amino acid, Tyrosine at residue 711. This variant has been observed in at least one proband affected with atypical hemolytic-uremic syndrome (PMID:28056875). It is absent or not present at a significant frequency in gnomAD. In conclusion, we classify CFH p.Tyr711del (c.2127_2129del) as a variant of uncertain significance.

Labcorp Genetics (formerly Invitae), Labcorp
Classification: Uncertain significance. Last evaluated: 2022-06-19. Review status: criteria provided, single submitter. Criteria: Invitae Variant Classification Sherloc (09022015). Collection method: clinical testing. Allele origin: germline.
Comment: This variant, c.2127_2129del, results in the deletion of 1 amino acid(s) of the CFH protein (p.Tyr711del), but otherwise preserves the integrity of the reading frame. In summary, the available evidence is currently insufficient to determine the role of this variant in disease. Therefore, it has been classified as a Variant of Uncertain Significance. Experimental studies and prediction algorithms are not available or were not evaluated, and the functional significance of this variant is currently unknown. This variant has been observed in individual(s) with atypical hemolytic uremic syndrome (PMID: 28056875). This variant is present in population databases (no rsID available, gnomAD 0.003%).

Literature cited by the submitters: PubMed 28056875 (cited by Genomenon, Inc and Labcorp Genetics (formerly Invitae), Labcorp).